The following is an entry in ClinVar:

ClinVar aggregate classification (germline): Uncertain significance. Review status: criteria provided, multiple submitters, no conflicts (2 of 4 stars). 3 submissions from 3 submitters: Uncertain significance (3). Last evaluated 2025-06-14.

Conditions:
Multiple endocrine neoplasia, type 2 (MEN2). Identifiers: Orphanet 653, MedGen C4048306, MONDO:0019003. Disease mechanism: gain of function.
Hereditary cancer-predisposing syndrome. Also called: Hereditary Cancer Syndrome; Neoplastic Syndromes, Hereditary; Tumor predisposition; Hereditary neoplastic syndrome. Identifiers: Orphanet 140162, MedGen C0027672, MeSH D009386, MONDO:0015356.

Submissions (3):

Ambry Genetics
Classification: Uncertain significance for Hereditary cancer-predisposing syndrome. Last evaluated: 2025-06-14. Review status: criteria provided, single submitter. Criteria: Ambry Variant Classification Scheme 2023. Collection method: clinical testing. Allele origin: germline.
Comment: The p.A845S variant (also known as c.2533G>T), located in coding exon 14 of the RET gene, results from a G to T substitution at nucleotide position 2533. The alanine at codon 845 is replaced by serine, an amino acid with similar properties. This amino acid position is well conserved in available vertebrate species. In addition, the in silico prediction for this alteration is inconclusive. Since supporting evidence is limited at this time, the clinical significance of this alteration remains unclear.

Color Diagnostics, LLC DBA Color Health
Classification: Uncertain significance for Multiple endocrine neoplasia, type 2. Last evaluated: 2025-06-03. Review status: criteria provided, single submitter. Criteria: ACMG Guidelines, 2015. Collection method: clinical testing. Allele origin: germline.
Comment: This missense variant replaces alanine with serine at codon 845 of the RET protein. Computational prediction suggests that this variant may not impact protein structure and function. To our knowledge, functional studies have not been reported for this variant. This variant has not been reported in individuals affected with RET-related disorders in the literature. This variant has not been identified in the general population by the Genome Aggregation Database (gnomAD). The available evidence is insufficient to determine the role of this variant in disease conclusively. Therefore, this variant is classified as a Variant of Uncertain Significance.

Labcorp Genetics (formerly Invitae), Labcorp
Classification: Uncertain significance for Multiple endocrine neoplasia, type 2. Last evaluated: 2025-01-06. Review status: criteria provided, single submitter. Criteria: Invitae Variant Classification Sherloc (09022015). Collection method: clinical testing. Allele origin: germline.
Comment: This sequence change replaces alanine, which is neutral and non-polar, with serine, which is neutral and polar, at codon 845 of the RET protein (p.Ala845Ser). This variant is not present in population databases (gnomAD no frequency). This variant has not been reported in the literature in individuals affected with RET-related conditions. ClinVar contains an entry for this variant (Variation ID: 2162427). An algorithm developed to predict the effect of missense changes on protein structure and function (PolyPhen-2) suggests that this variant is likely to be tolerated. In summary, the available evidence is currently insufficient to determine the role of this variant in disease. Therefore, it has been classified as a Variant of Uncertain Significance.

NM_020975.6(RET):c.2533G>T (p.Ala845Ser)

Gene: RET (ret proto-oncogene; plus strand). Cytogenetic location: 10q11.21.
Variant type: single nucleotide variant.
Coding change: c.2533G>T on transcript NM_020975.6 (MANE Select); coding-DNA position 2533, G replaced by T.
Protein change: p.Ala845Ser; replaces alanine 845 with serine.
Molecular consequence: missense variant.
Genome position (GRCh38, 1-based): chr10:43,119,671, G>T. VCF-style: chr10-43119671-G-T. GRCh37 (hg19) VCF-style: chr10-43615119-G-T.
Other names: c.2533G>T, p.Ala845Ser (NM_000323.2, NM_001406743.1, NM_001406744.1 and 4 more transcripts); c.1771G>T, p.Ala591Ser (NM_001355216.2); c.2404G>T, p.Ala802Ser (NM_001406761.1, NM_001406762.1, NM_001406764.1); c.2398G>T, p.Ala800Ser (NM_001406763.1, NM_001406765.1); c.2245G>T, p.Ala749Ser (NM_001406766.1, NM_001406767.1, NM_001406770.1); c.2269G>T, p.Ala757Ser (NM_001406768.1); c.2137G>T, p.Ala713Ser (NM_001406769.1, NM_001406772.1); c.2095G>T, p.Ala699Ser (NM_001406771.1, NM_001406773.1); and 10 more; short protein forms A501S, A603S, A699S, A713S, A749S, A845S, A362S, A515S.
Identifiers: ClinVar variation 2162427 (VCV002162427.7), dbSNP rs2132948243, ClinGen allele CA376556477.